The following is an entry in ClinVar:

NM_024426.6(WT1):c.780G>A (p.Ser260=)

Gene: WT1 (WT1 transcription factor; minus strand). Cytogenetic location: 11p13.
Variant type: single nucleotide variant.
Coding change: c.780G>A on transcript NM_024426.6 (MANE Select); coding-DNA position 780, G replaced by A.
Protein change: p.Ser260=; no amino-acid change (serine 260 retained).
Molecular consequence: synonymous variant. On other transcripts: non-coding transcript variant (2), intron variant (2).
Genome position (GRCh38, 1-based): chr11:32,428,501, C>T on the plus strand (G>A on the coding strand, the complement: WT1 is on the minus strand). VCF-style: chr11-32428501-C-T. GRCh37 (hg19) VCF-style: chr11-32450047-C-T.
Other names: c.765G>A (NM_024426.4); c.780G>A, p.Ser260= (NM_000378.6, NM_001407044.1, NM_001407045.1 and 4 more transcripts); c.129G>A, p.Ser43= (NM_001198551.2, NM_001198552.2); c.18G>A, p.Ser6= (NM_001407051.1); c.765G>A, p.Ser255= (NM_024425.2); c.662-443G>A (NM_001407050.1, NM_001407047.1).
Identifiers: ClinVar variation 1540733 (VCV001540733.12), dbSNP rs1403311573, ClinGen allele CA473570151.

ClinVar aggregate classification (germline): Likely benign. Review status: criteria provided, multiple submitters, no conflicts (2 of 4 stars). 4 submissions from 4 submitters: Likely benign (4). Last evaluated 2025-04-18.

Conditions:
Aniridia 1 (AN1). Identifiers: Orphanet 250923, MedGen C0344542, MONDO:0024507, OMIM 106210.
Nephrotic syndrome, type 4 (NPHS4). Also called: Familial mesangial sclerosis; Nephrotic syndrome, early onset with diffuse mesangial sclerosis. Identifiers: Orphanet 656, MedGen C3151568, MONDO:0009733, OMIM 256370.
Wilms tumor 1 (WT1). Also called: Wilms tumor, somatic. Identifiers: Orphanet 654, MedGen CN033288, MONDO:0008679, OMIM 194070.
11p partial monosomy syndrome (WAGR). Also called: WAGR Complex; CHROMOSOME 11p13 DELETION SYNDROME; WAGR syndrome; WAGR Spectrum Disorder. Identifiers: Orphanet 893, MedGen C0206115, MONDO:0008681, OMIM 194072.
Mesothelioma, malignant (MESOM). Also called: Malignant mesothelioma (disease). Identifiers: Orphanet 50251, MedGen C0345967, MONDO:0006292, OMIM 156240, HP:0100001.
Meacham syndrome. Also called: Meacham Winn Culler syndrome. Identifiers: Orphanet 3097, MedGen C1837026, MONDO:0012164, OMIM 608978.
Drash syndrome (DDS). Also called: NEPHROPATHY, WILMS TUMOR, AND GENITAL ANOMALIES; WILMS TUMOR AND PSEUDO- OR TRUE HERMAPHRODITISM. Identifiers: Orphanet 220, MedGen C0950121, MONDO:0008682, OMIM 194080.
Frasier syndrome. Identifiers: Orphanet 347, MedGen C0950122, MeSH D052159, MONDO:0007635, OMIM 136680.
Inborn genetic diseases. Identifiers: MedGen C0950123, MeSH D030342.

Allele frequency attached by ClinVar (database versions not stated): gnomAD exomes below 0.00001.
gnomAD v4.1: 2 of 1,614,068 alleles (0.00012%); highest among the groups gnomAD compares: African/African-American, 0.0013%; no homozygotes.

Submissions (4):

Ambry Genetics
Classification: Likely benign for Inborn genetic diseases. Last evaluated: 2025-04-18. Review status: criteria provided, single submitter. Criteria: Ambry Variant Classification Scheme 2023. Collection method: clinical testing. Allele origin: germline.

All of Us Research Program, National Institutes of Health
Classification: Likely benign for Wilms tumor 1. Last evaluated: 2024-04-16. Review status: criteria provided, single submitter. Criteria: ACMG Guidelines, 2015. Collection method: clinical testing. Allele origin: germline. Inheritance: Autosomal dominant inheritance. Observed: 1 variant allele, 1 heterozygote.
Comment: This study involves interpretation of variants in research participants for the purpose of population health screening. Participant phenotype was not available at the time of variant classification. Additional details can be found in publication PMID: 35346344, PMCID: PMC8962531

Fulgent Genetics
Classification: Likely benign for Aniridia 1; Frasier syndrome; Mesothelioma, malignant; Wilms tumor 1; 11p partial monosomy syndrome; Drash syndrome; Nephrotic syndrome, type 4; Meacham syndrome. Last evaluated: 2021-11-30. Review status: criteria provided, single submitter. Criteria: ACMG Guidelines, 2015. Collection method: clinical testing. Allele origin: unknown.

Labcorp Genetics (formerly Invitae), Labcorp
Classification: Likely benign for Wilms tumor 1; Drash syndrome; 11p partial monosomy syndrome; Frasier syndrome. Last evaluated: 2021-03-13. Review status: criteria provided, single submitter. Criteria: Invitae Variant Classification Sherloc (09022015). Collection method: clinical testing. Allele origin: germline.